The following is an entry in ClinVar:

ClinVar aggregate classification (germline): Uncertain significance. Review status: criteria provided, multiple submitters, no conflicts (2 of 4 stars). 2 submissions from 2 submitters: Uncertain significance (2). Last evaluated 2025-02-05.

Conditions:
Inborn genetic diseases. Identifiers: MedGen C0950123, MeSH D030342.

Allele frequency attached by ClinVar (database versions not stated): gnomAD exomes below 0.00001; TOPMed below 0.00001; ExAC 0.00001; gnomAD 0.00001.
gnomAD v4.1: 4 of 1,442,322 alleles (0.00028%); highest among the groups gnomAD compares: Non-Finnish European, 0.00039%; no homozygotes.

Submissions (2):

Ambry Genetics
Classification: Uncertain significance for Inborn genetic diseases. Last evaluated: 2025-02-05. Review status: criteria provided, single submitter. Criteria: Ambry Variant Classification Scheme 2023. Collection method: clinical testing. Allele origin: germline.

Labcorp Genetics (formerly Invitae), Labcorp
Classification: Uncertain significance. Last evaluated: 2023-04-15. Review status: criteria provided, single submitter. Criteria: Invitae Variant Classification Sherloc (09022015). Collection method: clinical testing. Allele origin: germline.
Comment: In summary, the available evidence is currently insufficient to determine the role of this variant in disease. Therefore, it has been classified as a Variant of Uncertain Significance. An algorithm developed to predict the effect of missense changes on protein structure and function (PolyPhen-2) suggests that this variant is likely to be disruptive. This variant has not been reported in the literature in individuals affected with GMNN-related conditions. This variant is present in population databases (rs202155543, gnomAD 0.0009%). This sequence change replaces glutamic acid, which is acidic and polar, with glycine, which is neutral and non-polar, at codon 118 of the GMNN protein (p.Glu118Gly).

NM_015895.5(GMNN):c.353A>G (p.Glu118Gly)

Gene: GMNN (geminin DNA replication inhibitor; plus strand). Cytogenetic location: 6p22.3.
Variant type: single nucleotide variant.
Coding change: c.353A>G on transcript NM_015895.5 (MANE Select); coding-DNA position 353, A replaced by G.
Protein change: p.Glu118Gly; replaces glutamic acid 118 with glycine.
Molecular consequence: missense variant.
Genome position (GRCh38, 1-based): chr6:24,784,165, A>G. VCF-style: chr6-24784165-A-G. GRCh37 (hg19) VCF-style: chr6-24784393-A-G.
Other names: c.353A>G, p.Glu118Gly (NM_001251989.2, NM_001251990.2, NM_001251991.1); c.353A>G (NM_015895.3); short protein forms E118G.
Identifiers: ClinVar variation 2856393 (VCV002856393.4), dbSNP rs202155543, ClinGen allele CA3658886.